The following is an entry in ClinVar:

NM_000051.4(ATM):c.4862T>A (p.Leu1621Gln)

Gene: ATM (ATM serine/threonine kinase; plus strand). Cytogenetic location: 11q22.3.
Variant type: single nucleotide variant.
Coding change: c.4862T>A on transcript NM_000051.4 (MANE Select); coding-DNA position 4862, T replaced by A.
Protein change: p.Leu1621Gln; replaces leucine 1621 with glutamine.
Molecular consequence: missense variant.
Genome position (GRCh38, 1-based): chr11:108,295,012, T>A. VCF-style: chr11-108295012-T-A. GRCh37 (hg19) VCF-style: chr11-108165739-T-A.
Other names: c.4862T>A, p.Leu1621Gln (NM_001351834.2); short protein forms L1621Q.
Identifiers: ClinVar variation 524352 (VCV000524352.7), dbSNP rs1555101864, ClinGen allele CA382537040.

ClinVar aggregate classification (germline): Uncertain significance (1 of 4 stars; one submission).

Conditions:
Ataxia-telangiectasia syndrome (AT). Also called: ATAXIA-TELANGIECTASIA, COMPLEMENTATION GROUP A; ATAXIA-TELANGIECTASIA, FRESNO VARIANT; Ataxia-telangiectasia; Ataxia-telangiectasia, complementation group D; AT, COMPLEMENTATION GROUP C; Ataxia-telangiectasia, complementation group E. Identifiers: Orphanet 100, MedGen C0004135, MONDO:0008840, OMIM 208900.

Submission:

Labcorp Genetics (formerly Invitae), Labcorp
Classification: Uncertain significance for Ataxia-telangiectasia syndrome. Last evaluated: 2023-04-27. Review status: criteria provided, single submitter. Criteria: Invitae Variant Classification Sherloc (09022015). Collection method: clinical testing. Allele origin: germline.
Comment: In summary, the available evidence is currently insufficient to determine the role of this variant in disease. Therefore, it has been classified as a Variant of Uncertain Significance. An algorithm developed to predict the effect of missense changes on protein structure and function (PolyPhen-2) suggests that this variant is likely to be disruptive. ClinVar contains an entry for this variant (Variation ID: 524352). This variant has not been reported in the literature in individuals affected with ATM-related conditions. This variant is not present in population databases (gnomAD no frequency). This sequence change replaces leucine, which is neutral and non-polar, with glutamine, which is neutral and polar, at codon 1621 of the ATM protein (p.Leu1621Gln).